The following is an entry in ClinVar:

NM_001033855.3(DCLRE1C):c.1284A>C (p.Lys428Asn)

Gene: DCLRE1C (DNA cross-link repair 1C; minus strand). Cytogenetic location: 10p13.
Variant type: single nucleotide variant.
Coding change: c.1284A>C on transcript NM_001033855.3 (MANE Select); coding-DNA position 1284, A replaced by C.
Protein change: p.Lys428Asn; replaces lysine 428 with asparagine.
Molecular consequence: missense variant. On other transcripts: non-coding transcript variant (4).
Genome position (GRCh38, 1-based): chr10:14,909,203, T>G on the plus strand (A>C on the coding strand, the complement: DCLRE1C is on the minus strand). VCF-style: chr10-14909203-T-G. GRCh37 (hg19) VCF-style: chr10-14951202-T-G.
Other names: NM_001033855.3(DCLRE1C):c.1284A>C; p.Lys428Asn; c.924A>C, p.Lys308Asn (NM_001033857.3, NM_001033858.3, NM_001289077.2 and 2 more transcripts); c.939A>C, p.Lys313Asn (NM_001289076.2, NM_001289078.2, NM_001350966.2 and 1 more transcripts); c.1284A>C, p.Lys428Asn (NM_001350965.2); short protein forms K428N, K308N, K313N.
Identifiers: ClinVar variation 287735 (VCV000287735.58), dbSNP rs113870881, ClinGen allele CA5416508.

ClinVar aggregate classification (germline): Benign. Review status: reviewed by expert panel (3 of 4 stars). 9 submissions from 9 submitters: Benign (1). 8 of the submissions do not count toward it. Last evaluated 2024-02-05.

Conditions:
DCLRE1C-related disorder. Also called: DCLRE1C-related condition.
Severe combined immunodeficiency due to DCLRE1C deficiency (RS-SCID). Also called: SCID, AUTOSOMAL RECESSIVE, T CELL-NEGATIVE, B CELL-NEGATIVE, NK CELL-POSITIVE, WITH SENSITIVITY TO IONIZING RADIATION. Identifiers: Orphanet 275, MedGen C1865371, MONDO:0011225, OMIM 602450.

Allele frequency attached by ClinVar (database versions not stated): gnomAD exomes 0.00020 and 0.00053; 1000 Genomes Project 0.00040; 1000 Genomes Project 30x 0.00047; ExAC 0.00071; gnomAD 0.00202 and 0.00220; TOPMed 0.00226; ESP Exome Variant Server 0.00331.

Submissions (9):

ClinGen Severe Combined Immunodeficiency Variant Curation Expert Panel, ClinGen
Classification: Benign for Severe combined immunodeficiency due to DCLRE1C deficiency. Last evaluated: 2024-02-05. Review status: reviewed by expert panel. Criteria: ClinGen SCID ACMG Specifications DCLRE1C V1.0.0. Collection method: curation. Allele origin: germline. Inheritance: Autosomal recessive inheritance.
Comment: NM_001033855.3(DCLRE1C):c.1284A>C is a missense variant predicted to cause substitution of Lysine by Asparagine at amino acid 428 (p.Lys428Asn). The filtering allele frequency (the lower threshold of the 95% CI of 501/75018) of the c.1284A>C variant in DCLRE1C is 0.005719 for African/African American chromosomes by gnomAD v4, which is higher than the ClinGen SCID VCEP threshold (>0.00346) for BA1, and therefore meets this criterion (BA1). Additionally, 2 homozygous adults are reported in gnomAD v.4 in the same population. BS2_Supporting is Met. In summary, this variant meets the criteria to be classified as Benign for autosomal recessive severe combined immunodeficiency due to DCLRE1C deficiency based on the ACMG/AMP criteria applied, as specified by the ClinGen SCID-VCEP: BA1 and BS2_Supporting. (VCEP specifications version 1).

Labcorp Genetics (formerly Invitae), Labcorp
Classification: Likely benign for Athabaskan severe combined immunodeficiency. Last evaluated: 2026-01-25. Review status: criteria provided, single submitter. Criteria: Invitae Variant Classification Sherloc (09022015). Collection method: clinical testing. Allele origin: germline. Not counted in ClinVar's aggregate classification.

Pars Genome Lab
Classification: Likely benign for Severe combined immunodeficiency due to DCLRE1C deficiency. Last evaluated: 2021-05-18. Review status: criteria provided, single submitter. Criteria: ACMG Guidelines, 2015. Collection method: clinical testing. Allele origin: germline. Affected: no. Not counted in ClinVar's aggregate classification.

GeneDx
Classification: Likely benign. Last evaluated: 2018-02-08. Review status: criteria provided, single submitter. Criteria: GeneDx Variant Classification (06012015). Collection method: clinical testing. Allele origin: germline. Affected: yes. Not counted in ClinVar's aggregate classification.
Comment: This variant is considered likely benign or benign based on one or more of the following criteria: it is a conservative change, it occurs at a poorly conserved position in the protein, it is predicted to be benign by multiple in silico algorithms, and/or has population frequency not consistent with disease.

Eurofins Ntd Llc (ga)
Classification: Likely benign. Last evaluated: 2016-05-19. Review status: criteria provided, single submitter. Criteria: EGL Classification Definitions 2015. Collection method: clinical testing. Allele origin: germline. Observed: 1 variant allele, 1 heterozygote. Not counted in ClinVar's aggregate classification.

CeGaT Center for Human Genetics Tuebingen
Classification: Uncertain significance. Last evaluated: 2016-05-01. Review status: criteria provided, single submitter. Criteria: CeGaT Center For Human Genetics Tuebingen Variant Classification Criteria Version 2. Collection method: clinical testing. Allele origin: germline. Affected: yes. Observed: 1 variant allele. Not counted in ClinVar's aggregate classification.

PreventionGenetics, part of Exact Sciences
Classification: Likely benign for DCLRE1C-related condition. Last evaluated: 2024-02-10. Review status: no assertion criteria provided. Collection method: clinical testing. Allele origin: germline. Not counted in ClinVar's aggregate classification.
Comment: This variant is classified as likely benign based on ACMG/AMP sequence variant interpretation guidelines (Richards et al. 2015 PMID: 25741868, with internal and published modifications).

Clinical Genetics DNA and cytogenetics Diagnostics Lab, Erasmus MC, Erasmus Medical Center
Classification: Likely benign. Review status: no assertion criteria provided. Collection method: clinical testing. Allele origin: germline. Affected: yes. Study: VKGL Data-share Consensus. Not counted in ClinVar's aggregate classification.

Genome Diagnostics Laboratory, University Medical Center Utrecht
Classification: Likely benign. Review status: no assertion criteria provided. Collection method: clinical testing. Allele origin: germline. Affected: yes. Study: VKGL Data-share Consensus. Not counted in ClinVar's aggregate classification.